The following is an entry in ClinVar:

ClinVar aggregate classification (germline): Conflicting classifications of pathogenicity. Review status: criteria provided, conflicting classifications (1 of 4 stars). 2 submissions from 2 submitters: Likely pathogenic (1); Uncertain significance (1). Last evaluated 2026-07-01.

Conditions:
Glycogen storage disease, type II (IOPD). Also called: CARDIOMEGALIA GLYCOGENICA DIFFUSA; GLYCOGENOSIS, GENERALIZED, CARDIAC FORM; GSD II; Glycogen storage disease type 2; Acid maltase deficiency disease; Aglucosidase alfa. Identifiers: Orphanet 365, MedGen C0017921, MONDO:0009290, OMIM 232300.

Submissions (2):

Genomenon, Inc
Classification: Uncertain significance for Glycogen storage disease, type II. Last evaluated: 2026-07-01. Review status: criteria provided, single submitter. Criteria: Genomenon Sequence Variant Interpretation Standards - Updated. Collection method: curation. Allele origin: germline. Affected: yes.
Comment: GAA p.Ala555Pro (c.1663G>C) is a missense variant that changes the amino acid at codon 555 from Alanine to Proline. This variant has been observed in at least one proband with a GAA-related disorder in the compound heterozygous and/or homozygous state (PMID:33301762). It is absent or not present at a significant frequency in gnomAD. In silico models predict that this variant is not damaging. In conclusion, we classify GAA p.Ala555Pro (c.1663G>C) as a variant of uncertain significance.

Foundation for Research in Genetics and Endocrinology, FRIGE's Institute of Human Genetics
Classification: Likely pathogenic for Glycogen storage disease, type II. Review status: criteria provided, single submitter. Criteria: ACMG Guidelines, 2015. Collection method: clinical testing. Allele origin: germline. Inheritance: Autosomal recessive inheritance. Affected: yes. Observed: 1 homozygote.
Comment: A homozygous missense variant in exon 12 of the GAA gene that results in the amino acid substitution of Proline for Alanine at codon 555 was detected. The observed variant c.1663G>C (p.Ala555Pro) has not been reported in the 1000 genomes and gnomAD databases. The in silico prediction of the variant are possibly damaging by PolyPhen-2 (HumDiv). The reference codon is conserved across species. In summary, the variant meets our criteria to be classified as likely pathogenic.

Literature cited by the submitters: PubMed 33301762 (cited by Genomenon, Inc).

NM_000152.5(GAA):c.1663G>C (p.Ala555Pro)

Gene: GAA (alpha glucosidase; plus strand). Cytogenetic location: 17q25.3.
Variant type: single nucleotide variant.
Coding change: c.1663G>C on transcript NM_000152.5 (MANE Select); coding-DNA position 1663, G replaced by C.
Protein change: p.Ala555Pro; replaces alanine 555 with proline.
Molecular consequence: missense variant.
Genome position (GRCh38, 1-based): chr17:80,112,009, G>C. VCF-style: chr17-80112009-G-C. GRCh37 (hg19) VCF-style: chr17-78085808-G-C.
Other names: p.Ala555Pro; c.1663G>C, p.Ala555Pro (NM_001079803.3, NM_001079804.3, NM_001406741.1 and 1 more transcripts); short protein forms A555P.
Identifiers: ClinVar variation 2445989 (VCV002445989.2), dbSNP rs2510378539, ClinGen allele CA401368873.